The following is an entry in ClinVar:

NM_000135.4(FANCA):c.1635C>G (p.Ser545Arg)

Gene: FANCA (FA complementation group A; minus strand). Cytogenetic location: 16q24.3.
Variant type: single nucleotide variant.
Coding change: c.1635C>G on transcript NM_000135.4 (MANE Select); coding-DNA position 1635, C replaced by G.
Protein change: p.Ser545Arg; replaces serine 545 with arginine.
Molecular consequence: missense variant.
Genome position (GRCh38, 1-based): chr16:89,779,949, G>C on the plus strand (C>G on the coding strand, the complement: FANCA is on the minus strand). VCF-style: chr16-89779949-G-C. GRCh37 (hg19) VCF-style: chr16-89846357-G-C.
Other names: c.1635C>G, p.Ser545Arg (NM_001286167.3); short protein forms S545R.
Identifiers: ClinVar variation 4254276 (VCV004254276.1).

ClinVar aggregate classification (germline): Uncertain significance (1 of 4 stars; one submission).

Conditions:
Inborn genetic diseases. Identifiers: MedGen C0950123, MeSH D030342.

Submission:

Ambry Genetics
Classification: Uncertain significance for Inborn genetic diseases. Last evaluated: 2025-08-09. Review status: criteria provided, single submitter. Criteria: Ambry Variant Classification Scheme 2023. Collection method: clinical testing. Allele origin: germline.
Comment: The p.S545R variant (also known as c.1635C>G), located in coding exon 18 of the FANCA gene, results from a C to G substitution at nucleotide position 1635. The serine at codon 545 is replaced by arginine, an amino acid with dissimilar properties. This amino acid position is conserved. In addition, the in silico prediction for this alteration is inconclusive. Based on the available evidence, the clinical significance of this variant remains unclear.